The following is an entry in ClinVar:

ClinVar aggregate classification (germline): Uncertain significance (1 of 4 stars; one submission).

Conditions:
Baller-Gerold syndrome (BGS). Also called: CRANIOSYNOSTOSIS WITH RADIAL DEFECTS. Identifiers: Orphanet 1225, MedGen C0265308, MONDO:0009039, OMIM 218600.

Allele frequency attached by ClinVar (database versions not stated): gnomAD exomes below 0.00001.
gnomAD v4.1: 1 of 1,612,488 alleles (0.000062%); highest among the groups gnomAD compares: Admixed American, 0.0017%; no homozygotes.

Submission:

Labcorp Genetics (formerly Invitae), Labcorp
Classification: Uncertain significance for Baller-Gerold syndrome. Last evaluated: 2023-08-29. Review status: criteria provided, single submitter. Criteria: Invitae Variant Classification Sherloc (09022015). Collection method: clinical testing. Allele origin: germline.
Comment: Advanced modeling of protein sequence and biophysical properties (such as structural, functional, and spatial information, amino acid conservation, physicochemical variation, residue mobility, and thermodynamic stability) performed at Invitae indicates that this missense variant is expected to disrupt RECQL4 protein function. This variant has not been reported in the literature in individuals affected with RECQL4-related conditions. This variant is not present in population databases (gnomAD no frequency). This sequence change replaces alanine, which is neutral and non-polar, with aspartic acid, which is acidic and polar, at codon 1034 of the RECQL4 protein (p.Ala1034Asp). In summary, the available evidence is currently insufficient to determine the role of this variant in disease. Therefore, it has been classified as a Variant of Uncertain Significance.

NM_004260.4(RECQL4):c.3101C>A (p.Ala1034Asp)

Gene: RECQL4 (RecQ like helicase 4; minus strand). Cytogenetic location: 8q24.3.
Variant type: single nucleotide variant.
Coding change: c.3101C>A on transcript NM_004260.4 (MANE Select); coding-DNA position 3101, C replaced by A.
Protein change: p.Ala1034Asp; replaces alanine 1034 with aspartic acid.
Molecular consequence: missense variant. On other transcripts: non-coding transcript variant (2).
Genome position (GRCh38, 1-based): chr8:144,512,279, G>T on the plus strand (C>A on the coding strand, the complement: RECQL4 is on the minus strand). VCF-style: chr8-144512279-G-T. GRCh37 (hg19) VCF-style: chr8-145737662-G-T.
Other names: c.2750C>A, p.Ala917Asp (NM_001413029.1); c.1964C>A, p.Ala655Asp (NM_001413030.1, NM_001413027.1, NM_001413032.1); c.1832C>A, p.Ala611Asp (NM_001413031.1, NM_001413038.1); c.2807C>A, p.Ala936Asp (NM_001413017.1); c.2903C>A, p.Ala968Asp (NM_001413018.1); c.3176C>A, p.Ala1059Asp (NM_001413019.1); c.3005C>A, p.Ala1002Asp (NM_001413020.1); c.2030C>A, p.Ala677Asp (NM_001413024.1, NM_001413028.1, NM_001413034.1 and 4 more transcripts); and 9 more; short protein forms A633D, A677D, A990D, A1034D, A917D, A991D, A1002D, A1024D.
Identifiers: ClinVar variation 2806212 (VCV002806212.3), dbSNP rs1586793697, ClinGen allele CA372670648.